The following is an entry in ClinVar:

NM_001006658.3(CR2):c.1445C>T (p.Pro482Leu)

Gene: CR2 (complement C3d receptor 2; plus strand). Cytogenetic location: 1q32.2.
Variant type: single nucleotide variant.
Coding change: c.1445C>T on transcript NM_001006658.3 (MANE Select); coding-DNA position 1445, C replaced by T.
Protein change: p.Pro482Leu; replaces proline 482 with leucine.
Molecular consequence: missense variant.
Genome position (GRCh38, 1-based): chr1:207,471,039, C>T. VCF-style: chr1-207471039-C-T. GRCh37 (hg19) VCF-style: chr1-207644384-C-T.
Other names: c.1445C>T, p.Pro482Leu (NM_001877.5); short protein forms P482L.
Identifiers: ClinVar variation 4690817 (VCV004690817.1).

ClinVar aggregate classification (germline): Uncertain significance (1 of 4 stars; one submission).

Conditions:
Immunodeficiency, common variable, 7. Identifiers: Orphanet 1572, Orphanet 696894, MedGen C3542922, MONDO:0013862, OMIM 614699.

Submission:

Labcorp Genetics (formerly Invitae), Labcorp
Classification: Uncertain significance for Immunodeficiency, common variable, 7. Last evaluated: 2025-08-03. Review status: criteria provided, single submitter. Criteria: Invitae Variant Classification Sherloc (09022015). Collection method: clinical testing. Allele origin: germline.
Comment: This sequence change replaces proline, which is neutral and non-polar, with leucine, which is neutral and non-polar, at codon 482 of the CR2 protein (p.Pro482Leu). This variant is not present in population databases (gnomAD no frequency). This variant has not been reported in the literature in individuals affected with CR2-related conditions. An algorithm developed to predict the effect of missense changes on protein structure and function (PolyPhen-2) suggests that this variant is likely to be disruptive. In summary, the available evidence is currently insufficient to determine the role of this variant in disease. Therefore, it has been classified as a Variant of Uncertain Significance.